The following is an entry in ClinVar:

NM_006506.5(RASA2):c.29C>A (p.Ala10Glu)

Genes: RASA2 (RAS p21 protein activator 2; plus strand), LOC129937686 (ATAC-STARR-seq lymphoblastoid silent region 14777; plus strand). Cytogenetic location: 3q23.
Variant type: single nucleotide variant.
Coding change: c.29C>A on transcript NM_006506.5 (MANE Select); coding-DNA position 29, C replaced by A.
Protein change: p.Ala10Glu; replaces alanine 10 with glutamic acid.
Molecular consequence: missense variant.
Genome position (GRCh38, 1-based): chr3:141,487,112, C>A. VCF-style: chr3-141487112-C-A. GRCh37 (hg19) VCF-style: chr3-141205954-C-A.
Other names: c.29C>A, p.Ala10Glu (NM_001303245.3, NM_001303246.3); short protein forms A10E.
Identifiers: ClinVar variation 3725442 (VCV003725442.2).
Genomic context (GRCh38, chr3:141,487,112, plus strand): 5'-CGGCAGGGCTGCGGCACGGGCCGGGCGGCACCATGGCGGCGGCGGCGCCTGCTGCTGCGG[C>A]GGCTTCTTCCGAGGCGCCAGCGGCGAGTGCGACTGCAGAGCCCGAGGCCGGGGACCAGGA-3'
Protein context (NP_006497.2, residues 1-20): MAAAAPAAA[Ala10Glu]ASSEAPAASA

ClinVar aggregate classification (germline): Uncertain significance (1 of 4 stars; one submission).

Submission:

Labcorp Genetics (formerly Invitae), Labcorp
Classification: Uncertain significance. Last evaluated: 2024-11-17. Review status: criteria provided, single submitter. Criteria: Invitae Variant Classification Sherloc (09022015). Collection method: clinical testing. Allele origin: germline.
Comment: This sequence change replaces alanine, which is neutral and non-polar, with glutamic acid, which is acidic and polar, at codon 10 of the RASA2 protein (p.Ala10Glu). This variant is not present in population databases (gnomAD no frequency). This variant has not been reported in the literature in individuals affected with RASA2-related conditions. Experimental studies and prediction algorithms are not available or were not evaluated, and the functional significance of this variant is currently unknown. In summary, the available evidence is currently insufficient to determine the role of this variant in disease. Therefore, it has been classified as a Variant of Uncertain Significance.